The following is an entry in ClinVar:

NM_002617.4(PEX10):c.55G>T (p.Glu19Ter)

Gene: PEX10 (peroxisomal biogenesis factor 10; minus strand). Cytogenetic location: 1p36.32.
Variant type: single nucleotide variant.
Coding change: c.55G>T on transcript NM_002617.4 (MANE Select); coding-DNA position 55, G replaced by T.
Protein change: p.Glu19Ter; replaces glutamic acid 19 with a stop codon.
Molecular consequence: nonsense. On other transcripts: intron variant (2).
Genome position (GRCh38, 1-based): chr1:2,412,448, C>A on the plus strand (G>T on the coding strand, the complement: PEX10 is on the minus strand). VCF-style: chr1-2412448-C-A. GRCh37 (hg19) VCF-style: chr1-2343887-C-A.
Other names: c.55G>T, p.Glu19Ter (NM_001374425.1, NM_153818.2); c.-321+1149G>T (NM_001374427.1, NM_001374426.1); short protein forms E19*.
Identifiers: ClinVar variation 3654198 (VCV003654198.2).

ClinVar aggregate classification (germline): Pathogenic (1 of 4 stars; one submission).

Conditions:
Peroxisome biogenesis disorder, complementation group 7 (CG7). Also called: Peroxisome biogenesis disorder, complementation group B. Identifiers: MedGen C1864399.

Submission:

Labcorp Genetics (formerly Invitae), Labcorp
Classification: Pathogenic for Peroxisome biogenesis disorder, complementation group 7. Last evaluated: 2024-05-23. Review status: criteria provided, single submitter. Criteria: Invitae Variant Classification Sherloc (09022015). Collection method: clinical testing. Allele origin: germline.
Comment: This sequence change creates a premature translational stop signal (p.Glu19*) in the PEX10 gene. It is expected to result in an absent or disrupted protein product. Loss-of-function variants in PEX10 are known to be pathogenic (PMID: 9683594, 10862081, 21031596). This variant is not present in population databases (gnomAD no frequency). This variant has not been reported in the literature in individuals affected with PEX10-related conditions. For these reasons, this variant has been classified as Pathogenic.

Literature cited by the submitters: PubMed 9683594; PubMed 10862081; PubMed 21031596.